The following is an entry in ClinVar:

NM_006393.3(NEBL):c.2671A>G (p.Thr891Ala)

Gene: NEBL (nebulette; minus strand). Cytogenetic location: 10p12.31.
Variant type: single nucleotide variant.
Coding change: c.2671A>G on transcript NM_006393.3 (MANE Select); coding-DNA position 2671, A replaced by G.
Protein change: p.Thr891Ala; replaces threonine 891 with alanine.
Molecular consequence: missense variant. On other transcripts: intron variant (9).
Genome position (GRCh38, 1-based): chr10:20,808,600, T>C on the plus strand (A>G on the coding strand, the complement: NEBL is on the minus strand). VCF-style: chr10-20808600-T-C. GRCh37 (hg19) VCF-style: chr10-21097529-T-C.
Other names: c.421+4169A>G (NM_001377326.1, NM_001377327.1, NM_001377328.1); c.529+4169A>G (NM_213569.2, NM_001173484.2); c.622+1206A>G (NM_001377322.1); c.472+4169A>G (NM_001377324.1); c.463+4169A>G (NM_001377325.1); c.481+4169A>G (NM_001377323.1); short protein forms T891A.
Identifiers: ClinVar variation 4703186 (VCV004703186.1).

ClinVar aggregate classification (germline): Uncertain significance (1 of 4 stars; one submission).

Conditions:
Primary dilated cardiomyopathy (DCM). Also called: Dilated Cardiomyopathy. Identifiers: Orphanet 217604, MedGen C0007193, MeSH D002311, MONDO:0005021, HP:0001644. Inheritance: Various modes of inheritance.

gnomAD v4.1: 18 of 1,613,332 alleles (0.0011%); highest among the groups gnomAD compares: African/African-American, 0.0013%; no homozygotes.

Submission:

Labcorp Genetics (formerly Invitae), Labcorp
Classification: Uncertain significance for Primary dilated cardiomyopathy. Last evaluated: 2025-11-03. Review status: criteria provided, single submitter. Criteria: Invitae Variant Classification Sherloc (09022015). Collection method: clinical testing. Allele origin: germline.
Comment: This sequence change replaces threonine, which is neutral and polar, with alanine, which is neutral and non-polar, at codon 891 of the NEBL protein (p.Thr891Ala). This variant is not present in population databases (gnomAD no frequency). This variant has not been reported in the literature in individuals affected with NEBL-related conditions. An algorithm developed to predict the effect of missense changes on protein structure and function outputs the following: PolyPhen-2: "Benign". The alanine amino acid residue is found in multiple mammalian species, which suggests that this missense change does not adversely affect protein function. In summary, the available evidence is currently insufficient to determine the role of this variant in disease. Therefore, it has been classified as a Variant of Uncertain Significance.